The following is an entry in ClinVar:

NM_144688.5(KASH5):c.190G>A (p.Val64Met)

Gene: KASH5 (KASH domain containing 5; plus strand). Cytogenetic location: 19q13.33.
Variant type: single nucleotide variant.
Coding change: c.190G>A on transcript NM_144688.5 (MANE Select); coding-DNA position 190, G replaced by A.
Protein change: p.Val64Met; replaces valine 64 with methionine.
Molecular consequence: missense variant.
Genome position (GRCh38, 1-based): chr19:49,395,147, G>A. VCF-style: chr19-49395147-G-A. GRCh37 (hg19) VCF-style: chr19-49898404-G-A.
Other names: short protein forms V64M.
Identifiers: ClinVar variation 3067195 (VCV003067195.21), dbSNP rs191973091, ClinGen allele CA9572015.

ClinVar aggregate classification (germline): Likely benign (1 of 4 stars; one submission).

Allele frequency attached by ClinVar (database versions not stated): 1000 Genomes Project 30x 0.00250; 1000 Genomes Project 0.00280; TOPMed 0.00587; gnomAD 0.00770; ESP Exome Variant Server 0.00803; gnomAD exomes 0.00837; ExAC 0.00853.
gnomAD v4.1: 13,315 of 1,612,344 alleles (0.83%); highest among the groups gnomAD compares: Non-Finnish European, 0.86%; 89 homozygotes.

Submission:

CeGaT Center for Human Genetics Tuebingen
Classification: Likely benign. Last evaluated: 2026-08-01. Review status: criteria provided, single submitter. Criteria: CeGaT Center For Human Genetics Tuebingen Variant Classification Criteria Version 2. Collection method: clinical testing. Allele origin: germline. Affected: yes. Observed: 2 variant alleles.
Comment: KASH5: BS2